The following is an entry in ClinVar:

NM_006920.4(SCN1A):c.384_473del (p.Leu129_Glu158del)

Gene: SCN1A (sodium voltage-gated channel alpha subunit 1; minus strand).
Variant type: Deletion.
Coding change: c.384_473del on transcript NM_006920.4; coding-DNA positions 384 to 473, 90 bases deleted.
Protein change: p.Leu129_Glu158del.
Other names: c.384_473del (NM_001165963.4).
Identifiers: ClinVar variation 190030 (VCV000190030.1).

ClinVar aggregate classification (germline): Pathogenic (1 of 4 stars; one submission).

Conditions:
Severe myoclonic epilepsy in infancy (DRVT). Also called: Epileptic encephalopathy, early infantile, 6 (Dravet syndrome); SEVERE MYOCLONIC EPILEPSY OF INFANCY; DEVELOPMENTAL AND EPILEPTIC ENCEPHALOPATHY 6A; Severe Myoclonic Epilepsy in Infancy (SMEI); Dravet syndrome. Identifiers: Orphanet 33069, MedGen C0751122, MONDO:0100135, OMIM 607208.

Submission:

Center for Bioinformatics, Peking University
Classification: Pathogenic for Dravet syndrome. Last evaluated: 2014-12-20. Review status: criteria provided, single submitter. Criteria: Xu et al. (Hum Mutat. 2015). Collection method: research. Allele origin: de novo. Affected: yes. Observed: 1 variant allele. Study: University Clinical Cooperation “985 Project” PKU-2014-1-1.
Comment: Dravet syndrome (DS) probands were recruited from the outpatient and inpatient child neurology units of Peking University First Hospital from 2005 till present. The study was approved by the Ethics Committee of Peking University First Hospital and the Institutional Review Board at Peking University. Participants or their parents provided written informed consent before enrollment. We collected a total of 267 mutations from 255 families with probands diagnosed with DS in China. All probands fulfilled the clinical diagnostic criteria.